The following is an entry in ClinVar:

ClinVar aggregate classification (germline): Uncertain significance. Review status: criteria provided, multiple submitters, no conflicts (2 of 4 stars). 2 submissions from 2 submitters: Uncertain significance (2). Last evaluated 2026-10-01.

Conditions:
Neurofibromatosis, type 2 (SWNV). Also called: BILATERAL ACOUSTIC NEUROFIBROMATOSIS; NF2-Related Schwannomatosis; SCHWANNOMATOSIS, VESTIBULAR. Identifiers: Orphanet 637, MedGen C0027832, MONDO:0007039, OMIM 101000. Disease mechanism: loss of function.

Allele frequency attached by ClinVar (database versions not stated): gnomAD exomes below 0.00001; TOPMed below 0.00001; gnomAD 0.00001.
gnomAD v4.1: 4 of 1,613,596 alleles (0.00025%); highest among the groups gnomAD compares: Non-Finnish European, 0.00034%; no homozygotes.

Submissions (2):

St. Jude Molecular Pathology, St. Jude Children's Research Hospital
Classification: Uncertain significance for Neurofibromatosis, type 2. Last evaluated: 2026-10-01. Review status: criteria provided, single submitter. Criteria: St. Jude Assertion Criteria 2020. Collection method: clinical testing. Allele origin: germline.
Comment: The NF2 c.675+6T>C intronic change result s in a T to C substitution at the +6 position of intron 7 of the NF2 gene. Algorithms that predict the impact of sequence changes on splicing indicate that this change may impact splicing but to our knowledge these predictions have not been confirmed by RNA studies. This variant has a maximum subpopulation frequency of 0.01% in gnomAD v2.1.1. To our knowledge, this variant has not been reported in individuals with Neurofibromatosis type 2. In summary, the evidence cu rrently available is insufficient to determine the clinical significance of this variant. It has therefore been classified as of uncertain significance (VUS-Low).

Labcorp Genetics (formerly Invitae), Labcorp
Classification: Uncertain significance for Neurofibromatosis, type 2. Last evaluated: 2025-08-04. Review status: criteria provided, single submitter. Criteria: Invitae Variant Classification Sherloc (09022015). Collection method: clinical testing. Allele origin: germline.
Comment: This sequence change falls in intron 7 of the NF2 gene. It does not directly change the encoded amino acid sequence of the NF2 protein. It affects a nucleotide within the consensus splice site. This variant is present in population databases (no rsID available, gnomAD 0.002%). This variant has not been reported in the literature in individuals affected with NF2-related conditions. ClinVar contains an entry for this variant (Variation ID: 971460). Variants that disrupt the consensus splice site are a relatively common cause of aberrant splicing (PMID: 17576681, 9536098). Algorithms developed to predict the effect of sequence changes on RNA splicing suggest that this variant may disrupt the consensus splice site. In summary, the available evidence is currently insufficient to determine the role of this variant in disease. Therefore, it has been classified as a Variant of Uncertain Significance.

Literature cited by the submitters: PubMed 17576681 (cited by Labcorp Genetics (formerly Invitae), Labcorp); PubMed 9536098 (cited by Labcorp Genetics (formerly Invitae), Labcorp).

NM_000268.4(NF2):c.675+6T>C

Gene: NF2 (NF2, moesin-ezrin-radixin like (MERLIN) tumor suppressor; plus strand). Cytogenetic location: 22q12.2.
Variant type: single nucleotide variant.
Coding change: c.675+6T>C on transcript NM_000268.4 (MANE Select); 6 bases into the intron after coding-DNA position 675, T replaced by C.
Molecular consequence: intron variant.
Genome position (GRCh38, 1-based): chr22:29,658,270, T>C. VCF-style: chr22-29658270-T-C. GRCh37 (hg19) VCF-style: chr22-30054259-T-C.
Other names: c.675+6T>C (NM_016418.5, NM_181832.3, NM_181825.3); c.447+15985T>C (NM_181833.3); c.552+6T>C (NM_181829.3); c.549+6T>C (NM_181828.3); c.426+6T>C (NM_181830.3, NM_181831.3).
Identifiers: ClinVar variation 971460 (VCV000971460.9), dbSNP rs1349181077, ClinGen allele CA638992473.